The following is an entry in ClinVar:

ClinVar aggregate classification (germline): Conflicting classifications of pathogenicity. Review status: criteria provided, conflicting classifications (1 of 4 stars). 4 submissions from 4 submitters: Uncertain significance (3); Benign (1). Last evaluated 2026-04-28.

Conditions:
Inborn genetic diseases. Identifiers: MedGen C0950123, MeSH D030342.
Bethlem myopathy 1A. Also called: Bethlem Muscular Dystrophy; MYOPATHY, BENIGN CONGENITAL, WITH CONTRACTURES; Bethlem myopathy 1. Identifiers: Orphanet 610, MedGen CN029274, MONDO:0024530, OMIM 158810.

Allele frequency attached by ClinVar (database versions not stated): gnomAD exomes 0.00007 and 0.00003; ExAC 0.00008; gnomAD 0.00019; TOPMed 0.00022; ESP Exome Variant Server 0.00023; 1000 Genomes Project 0.00040; 1000 Genomes Project 30x 0.00078.
gnomAD v4.1: 65 of 1,609,530 alleles (0.004%); highest among the groups gnomAD compares: African/African-American, 0.075%; no homozygotes.

Submissions (4):

Women's Health and Genetics/Laboratory Corporation of America, LabCorp
Classification: Uncertain significance. Last evaluated: 2026-04-28. Review status: criteria provided, single submitter. Criteria: LabCorp Variant Classification Summary - May 2015. Collection method: clinical testing. Allele origin: germline.
Comment: Variant summary: COL6A1 c.1379T>C (p.Val460Ala) results in a non-conservative amino acid change in the encoded protein sequence. Algorithms developed to predict the effect of missense changes on protein structure and function are either unavailable or do not agree on the potential impact of this missense change. The variant allele was found at a frequency of 6.7e-05 in 239710 control chromosomes. This frequency is not significantly higher than estimated for disease-causing variants in COL6A1, allowing no conclusion about variant significance. To our knowledge, no occurrence of c.1379T>C in individuals affected with COL6A1-related conditions and no experimental evidence demonstrating its impact on protein function have been reported. ClinVar contains an entry for this variant (Variation ID: 476411). Based on the evidence outlined above, the variant was classified as uncertain significance.

Ambry Genetics
Classification: Uncertain significance for Inborn genetic diseases. Last evaluated: 2025-09-25. Review status: criteria provided, single submitter. Criteria: Ambry Variant Classification Scheme 2023. Collection method: clinical testing. Allele origin: germline.

Labcorp Genetics (formerly Invitae), Labcorp
Classification: Benign for Bethlem myopathy 1A. Last evaluated: 2023-04-24. Review status: criteria provided, single submitter. Criteria: Invitae Variant Classification Sherloc (09022015). Collection method: clinical testing. Allele origin: germline.

Eurofins Ntd Llc (ga)
Classification: Uncertain significance. Last evaluated: 2018-05-25. Review status: criteria provided, single submitter. Criteria: EGL ClinVar v180209 classification definitions. Collection method: clinical testing. Allele origin: germline. Observed: 1 variant allele, 1 heterozygote.

NM_001848.3(COL6A1):c.1379T>C (p.Val460Ala)

Gene: COL6A1 (collagen type VI alpha 1 chain; plus strand). Cytogenetic location: 21q22.3.
Variant type: single nucleotide variant.
Coding change: c.1379T>C on transcript NM_001848.3 (MANE Select); coding-DNA position 1379, T replaced by C.
Protein change: p.Val460Ala; replaces valine 460 with alanine.
Molecular consequence: missense variant.
Genome position (GRCh38, 1-based): chr21:45,994,210, T>C. VCF-style: chr21-45994210-T-C. GRCh37 (hg19) VCF-style: chr21-47414124-T-C.
Other names: short protein forms V460A.
Identifiers: ClinVar variation 476411 (VCV000476411.17), dbSNP rs140735590, ClinGen allele CA10070265.